The following is an entry in ClinVar:

NM_001386795.1(DTNA):c.602A>G (p.Gln201Arg)

Gene: DTNA (dystrobrevin alpha; plus strand). Cytogenetic location: 18q12.1.
Variant type: single nucleotide variant.
Coding change: c.602A>G on transcript NM_001386795.1 (MANE Select); coding-DNA position 602, A replaced by G.
Protein change: p.Gln201Arg; replaces glutamine 201 with arginine.
Molecular consequence: missense variant.
Genome position (GRCh38, 1-based): chr18:34,812,112, A>G. VCF-style: chr18-34812112-A-G. GRCh37 (hg19) VCF-style: chr18-32392076-A-G.
Other names: c.602A>G, p.Gln201Arg (NM_001386761.1, NM_001386762.1, NM_001386763.1 and 35 more transcripts); short protein forms Q201R.
Identifiers: ClinVar variation 2506419 (VCV002506419.2), dbSNP rs1378499251, ClinGen allele CA402276177.
Genomic context (GRCh38, chr18:34,812,112, plus strand): 5'-TTTTTGAAGGTCCTTCATTTGGTTACACAGAACAGTCAGCCAGATCCTGTTTCTCCCAAC[A>G]GGTAGGAGAAAAATATGTTTAAGGAAGTATCTCTTTCAAACAGTGGTTGCTCTCCTTCTA-3'
Protein context (NP_001373724.1, residues 191-211): EQSARSCFSQ[Gln201Arg]KKVTLNGFLD

ClinVar aggregate classification (germline): Uncertain significance (0 of 4 stars; one submission).

Conditions:
Hypertrophic cardiomyopathy. Also called: HYPERTROPHIC MYOCARDIOPATHY. Identifiers: Orphanet 217569, MedGen C0007194, MeSH D002312, MONDO:0005045, HP:0001639.

Allele frequency attached by ClinVar (database versions not stated): gnomAD exomes below 0.00001.
gnomAD v4.1: 6 of 1,614,020 alleles (0.00037%); highest among the groups gnomAD compares: South Asian, 0.0066%; no homozygotes.

Submission:

Genotypic Technology Pvt Ltd
Classification: Uncertain significance for Hypertrophic cardiomyopathy. Last evaluated: 2022-11-16. Review status: no assertion criteria provided. Collection method: clinical testing. Allele origin: germline. Affected: yes. Observed: 1 heterozygote.
Comment: The missense variant NM_001390.4:c.602A>G (p.Gln201Arg) has not been reported earlier. Highly conserved base across 100 vertebrates. varSEAK splice site predicted this modification as likely leading to loss of function for authentic Splice Site causing Exon Skipping. Mutation taster has predicted this variant as altering the splice site.